The following is an entry in ClinVar:

ClinVar aggregate classification (germline): Uncertain significance (1 of 4 stars; one submission).

Conditions:
Loeys-Dietz syndrome 2 (LDS2). Also called: TGFBR2-Related Loeys-Dietz Syndrome; Marfan syndrome, type 2 (formerly); AORTIC ANEURYSM, FAMILIAL THORACIC 3; MARFAN SYNDROME, TYPE II; Marfan Syndrome type 2; Marfan like connective tissue disorder. Identifiers: Orphanet 284973, Orphanet 558, MedGen C2674574, MONDO:0012427, OMIM 610168.

Submission:

Labcorp Genetics (formerly Invitae), Labcorp
Classification: Uncertain significance for Loeys-Dietz syndrome 2. Last evaluated: 2022-05-19. Review status: criteria provided, single submitter. Criteria: Invitae Variant Classification Sherloc (09022015). Collection method: clinical testing. Allele origin: germline.
Comment: Algorithms developed to predict the effect of sequence changes on RNA splicing suggest that this variant may create or strengthen a splice site. This variant has not been reported in the literature in individuals affected with TMPO-related conditions. In summary, the available evidence is currently insufficient to determine the role of this variant in disease. Therefore, it has been classified as a Variant of Uncertain Significance. This variant is not present in population databases (gnomAD no frequency). This sequence change falls in intron 1 of the TMPO gene. It does not directly change the encoded amino acid sequence of the TMPO protein.

NM_001032283.3(TMPO):c.280-11T>G

Gene: TMPO (thymopoietin; plus strand). Cytogenetic location: 12q23.1.
Variant type: single nucleotide variant.
Coding change: c.280-11T>G on transcript NM_001032283.3 (MANE Select); 11 bases into the intron before coding-DNA position 280, T replaced by G.
Molecular consequence: intron variant.
Genome position (GRCh38, 1-based): chr12:98,527,875, T>G. VCF-style: chr12-98527875-T-G. GRCh37 (hg19) VCF-style: chr12-98921653-T-G.
Other names: c.280-11T>G (NM_003276.2, NM_001307975.2, NM_001032284.3).
Identifiers: ClinVar variation 1996257 (VCV001996257.4), dbSNP rs2548498763, ClinGen allele CA2580086772.